The following is an entry in ClinVar:

NM_002206.3(ITGA7):c.70G>A (p.Val24Ile)

Gene: ITGA7 (integrin subunit alpha 7; minus strand). Cytogenetic location: 12q13.2.
Variant type: single nucleotide variant.
Coding change: c.70G>A on transcript NM_002206.3 (MANE Select); coding-DNA position 70, G replaced by A.
Protein change: p.Val24Ile; replaces valine 24 with isoleucine.
Molecular consequence: missense variant. On other transcripts: 5 prime UTR variant (1), intron variant (3).
Genome position (GRCh38, 1-based): chr12:55,707,613, C>T on the plus strand (G>A on the coding strand, the complement: ITGA7 is on the minus strand). VCF-style: chr12-55707613-C-T. GRCh37 (hg19) VCF-style: chr12-56101397-C-T.
Other names: c.70G>A, p.Val24Ile (NM_001144996.2, NM_001374465.1, NM_001410977.1 and 6 more transcripts); c.-1103G>A (NM_001367994.1); c.85+4450G>A (NM_001144997.2); c.-133-4435G>A (NM_001367993.1, NM_001414035.1); short protein forms V24I.
Identifiers: ClinVar variation 1910234 (VCV001910234.3), dbSNP rs1181413818, ClinGen allele CA385194288.
Genomic context (GRCh38, chr12:55,707,613, plus strand): 5'-TGCGCAAGGCACCCATCACGTCCAGATTGAAGGCGACAGCCCGTGAGAAGAGCAGTTCGA[C>T]GAGCAGGGAGCCAAAAAGGTAGCAAATCCCGGAGGCCCCCCAAGGGTCGCGGCTCCGAGC-3'
Protein context (NP_002197.2, residues 14-34): GICYLFGSLL[Val24Ile]ELLFSRAVAF

ClinVar aggregate classification (germline): Uncertain significance (1 of 4 stars; one submission).

Conditions:
Congenital muscular dystrophy due to integrin alpha-7 deficiency. Also called: MYOPATHY, CONGENITAL, DUE TO INTEGRIN ALPHA-7 DEFICIENCY; Congenital muscular dystrophy with integrin alpha-7 deficiency; Muscular dystrophy, congenital, due to ITGA7 deficiency. Identifiers: Orphanet 34520, MedGen C2750786, MONDO:0013177, OMIM 613204.

Allele frequency attached by ClinVar (database versions not stated): gnomAD exomes below 0.00001; TOPMed below 0.00001; gnomAD 0.00001.

Submission:

Labcorp Genetics (formerly Invitae), Labcorp
Classification: Uncertain significance for Congenital muscular dystrophy due to integrin alpha-7 deficiency. Last evaluated: 2023-07-17. Review status: criteria provided, single submitter. Criteria: Invitae Variant Classification Sherloc (09022015). Collection method: clinical testing. Allele origin: germline.
Comment: Advanced modeling of protein sequence and biophysical properties (such as structural, functional, and spatial information, amino acid conservation, physicochemical variation, residue mobility, and thermodynamic stability) performed at Invitae indicates that this missense variant is not expected to disrupt ITGA7 protein function. This sequence change replaces valine, which is neutral and non-polar, with isoleucine, which is neutral and non-polar, at codon 24 of the ITGA7 protein (p.Val24Ile). This variant is not present in population databases (gnomAD no frequency). This variant has not been reported in the literature in individuals affected with ITGA7-related conditions. ClinVar contains an entry for this variant (Variation ID: 1910234). In summary, the available evidence is currently insufficient to determine the role of this variant in disease. Therefore, it has been classified as a Variant of Uncertain Significance.